The following is an entry in ClinVar:

NM_021815.5(SLC5A7):c.517A>T (p.Thr173Ser)

Gene: SLC5A7 (solute carrier family 5 member 7; plus strand). Cytogenetic location: 2q12.3.
Variant type: single nucleotide variant.
Coding change: c.517A>T on transcript NM_021815.5 (MANE Select); coding-DNA position 517, A replaced by T.
Protein change: p.Thr173Ser; replaces threonine 173 with serine.
Molecular consequence: missense variant. On other transcripts: 5 prime UTR variant (1).
Genome position (GRCh38, 1-based): chr2:107,997,906, A>T. VCF-style: chr2-107997906-A-T. GRCh37 (hg19) VCF-style: chr2-108614362-A-T.
Other names: c.517A>T, p.Thr173Ser (NM_001305005.3); c.202A>T, p.Thr68Ser (NM_001305006.3); c.-188A>T (NM_001305007.3); short protein forms T173S, T68S.
Identifiers: ClinVar variation 1367112 (VCV001367112.8), dbSNP rs2104354270, ClinGen allele CA348112520.

ClinVar aggregate classification (germline): Uncertain significance (1 of 4 stars; one submission).

Conditions:
Neuronopathy, distal hereditary motor, type 7A. Also called: Neuronopathy, distal hereditary motor, type viia; NEURONOPATHY, DISTAL HEREDITARY MOTOR, HARDING TYPE VIIA; NEUROPATHY, DISTAL HEREDITARY MOTOR, HARDING TYPE VIIA; Neuronopathy, distal hereditary motor, autosomal dominant 7; HARPER-YOUNG MYOPATHY; HMN VIIA. Identifiers: Orphanet 139589, MedGen C1834703, MONDO:0008024, OMIM 158580.
Congenital myasthenic syndrome 20. Also called: Myasthenic syndrome, congenital, 20, presynaptic. Identifiers: MedGen C4310694, MONDO:0014939, OMIM 617143.

Submission:

Labcorp Genetics (formerly Invitae), Labcorp
Classification: Uncertain significance for Neuronopathy, distal hereditary motor, type 7A; Congenital myasthenic syndrome 20. Last evaluated: 2021-07-13. Review status: criteria provided, single submitter. Criteria: Invitae Variant Classification Sherloc (09022015). Collection method: clinical testing. Allele origin: germline.
Comment: In summary, the available evidence is currently insufficient to determine the role of this variant in disease. Therefore, it has been classified as a Variant of Uncertain Significance. Algorithms developed to predict the effect of missense changes on protein structure and function are either unavailable or do not agree on the potential impact of this missense change (SIFT: "Deleterious"; PolyPhen-2: "Benign"; Align-GVGD: "Class C0"). This sequence change replaces threonine with serine at codon 173 of the SLC5A7 protein (p.Thr173Ser). The threonine residue is weakly conserved and there is a small physicochemical difference between threonine and serine. This variant is not present in population databases (ExAC no frequency). This variant has not been reported in the literature in individuals affected with SLC5A7-related conditions.